The following is an entry in ClinVar:

ClinVar aggregate classification (germline): Benign. Review status: criteria provided, multiple submitters, no conflicts (2 of 4 stars). 7 submissions from 7 submitters: Benign (5). 2 of the submissions do not count toward it. Last evaluated 2026-02-04.

Allele frequency attached by ClinVar (database versions not stated): ExAC 0.11525; gnomAD exomes 0.12991 and 0.10912; 1000 Genomes Project 30x 0.08089; 1000 Genomes Project 0.08167; TOPMed 0.09877; gnomAD 0.10351 and 0.10368; ESP Exome Variant Server 0.10529.
gnomAD v4.1: 205,215 of 1,611,874 alleles (13%); highest among the groups gnomAD compares: South Asian, 15%; 13,894 homozygotes.

Submissions (7):

Labcorp Genetics (formerly Invitae), Labcorp
Classification: Benign. Last evaluated: 2026-02-04. Review status: criteria provided, single submitter. Criteria: Invitae Variant Classification Sherloc (09022015). Collection method: clinical testing. Allele origin: germline.

Blueprint Genetics
Classification: Benign. Last evaluated: 2024-11-27. Review status: criteria provided, single submitter. Criteria: ACMG Guidelines, 2015. Collection method: clinical testing. Allele origin: germline.

GeneDx
Classification: Benign. Last evaluated: 2017-12-28. Review status: criteria provided, single submitter. Criteria: GeneDx Variant Classification (06012015). Collection method: clinical testing. Allele origin: germline. Affected: yes.
Comment: This variant is considered likely benign or benign based on one or more of the following criteria: it is a conservative change, it occurs at a poorly conserved position in the protein, it is predicted to be benign by multiple in silico algorithms, and/or has population frequency not consistent with disease.

Breakthrough Genomics
Classification: Benign. Review status: criteria provided, single submitter. Criteria: ACMG Guidelines, 2015. Collection method: not provided. Allele origin: germline. Inheritance: Autosomal dominant inheritance. Affected: yes.

PreventionGenetics, part of Exact Sciences
Classification: Benign. Review status: criteria provided, single submitter. Criteria: ACMG Guidelines, 2015. Collection method: clinical testing. Allele origin: germline.

Clinical Genetics DNA and cytogenetics Diagnostics Lab, Erasmus MC, Erasmus Medical Center
Classification: Benign. Review status: no assertion criteria provided. Collection method: clinical testing. Allele origin: germline. Affected: yes. Study: VKGL Data-share Consensus. Not counted in ClinVar's aggregate classification.

Joint Genome Diagnostic Labs from Nijmegen and Maastricht, Radboudumc and MUMC+
Classification: Benign. Review status: no assertion criteria provided. Collection method: clinical testing. Allele origin: germline. Affected: yes. Study: VKGL Data-share Consensus. Not counted in ClinVar's aggregate classification.

NM_001845.6(COL4A1):c.1991-16G>A

Gene: COL4A1 (collagen type IV alpha 1 chain; minus strand). Cytogenetic location: 13q34.
Variant type: single nucleotide variant.
Coding change: c.1991-16G>A on transcript NM_001845.6 (MANE Select); 16 bases into the intron before coding-DNA position 1991, G replaced by A.
Molecular consequence: intron variant.
Genome position (GRCh38, 1-based): chr13:110,183,113, C>T on the plus strand (G>A on the coding strand, the complement: COL4A1 is on the minus strand). VCF-style: chr13-110183113-C-T. GRCh37 (hg19) VCF-style: chr13-110835460-C-T.
Identifiers: ClinVar variation 258248 (VCV000258248.15), dbSNP rs72654112, ClinGen allele CA7047747.